The following is an entry in ClinVar:

NM_000535.7(PMS2):c.793_803+7del

Gene: PMS2 (PMS1 homolog 2, mismatch repair system component; minus strand). Cytogenetic location: 7p22.1.
Variant type: Deletion.
Coding change: c.793_803+7del on transcript NM_000535.7 (MANE Select); coding-DNA position 793 through 7 bases into the intron after coding-DNA position 803, 18 bases deleted (AATCTTTTTTAGTAAGTA).
Molecular consequence: splice donor variant. On other transcripts: intron variant (3).
Genome position (GRCh38, 1-based): chr7:5,997,319-5,997,336, TACTTACTAAAAAAGATT deleted on the plus strand (AATCTTTTTTAGTAAGTA on the coding strand, the reverse complement: PMS2 is on the minus strand). VCF-style (leftmost placement, unchanged base first): chr7-5997318-CTACTTACTAAAAAAGATT-C. GRCh37 (hg19) VCF-style: chr7-6036949-CTACTTACTAAAAAAGATT-C.
Other names: c.475_485+7del (NM_001322008.2, NM_001406902.1, NM_001406883.1 and 4 more transcripts); c.484_494+7del (NM_001406881.1, NM_001406879.1, NM_001322015.2 and 6 more transcripts); c.388_398+7del (NM_001406895.1, NM_001322010.2, NM_001322004.2 and 19 more transcripts); c.132+5117_132+5134del (NM_001406911.1); c.280_290+7del (NM_001406904.1, NM_001406905.1); c.220_230+7del (NM_001322013.2, NM_001406909.1); c.-141_-131+7del (NM_001322012.2, NM_001322011.2); c.457_467+7del (NM_001406885.1); and 7 more.
Identifiers: ClinVar variation 2674200 (VCV002674200.1), dbSNP rs2536214833, ClinGen allele CA2695198423.
Genomic context (GRCh38, chr7:5,997,318, plus strand): 5'-TATCTTTAAAAAAAAAGCTCTCAGGATAAAATGTTCAATTGTAGTTCTCTTGCCAGCAAT[CTACTTACTAAAAAAGATT>C]ATGCAGAGCATCGGAACAGCTCAAACCGTACTCTTCACACACGGAGTCACTAGGGGGCAG-3'

ClinVar aggregate classification (germline): Likely pathogenic (1 of 4 stars; one submission).

Conditions:
Lynch syndrome 4 (LYNCH4). Also called: Hereditary non-polyposis colorectal cancer, type 4; Colorectal cancer, hereditary nonpolyposis, type 4. Identifiers: Orphanet 144, MedGen C1838333, MONDO:0013699, OMIM 614337. Disease mechanism: loss of function.

Submission:

Myriad Genetics, Inc.
Classification: Likely pathogenic for Lynch syndrome 4. Last evaluated: 2023-09-19. Review status: criteria provided, single submitter. Criteria: Myriad Autosomal Dominant, Autosomal Recessive and X-Linked Classification Criteria (2023). Collection method: clinical testing. Allele origin: unknown.
Comment: This variant is considered likely pathogenic. This variant occurs within a consensus splice junction and is predicted to result in abnormal mRNA splicing of either an out-of-frame exon or an in-frame exon necessary for protein stability and/or normal function.